The following is an entry in ClinVar:

ClinVar aggregate classification (germline): Uncertain significance (1 of 4 stars; one submission).

gnomAD v4.1: 2 of 1,613,968 alleles (0.00012%); highest among the groups gnomAD compares: Non-Finnish European, 0.00017%; no homozygotes.

Submission:

Women's Health and Genetics/Laboratory Corporation of America, LabCorp
Classification: Uncertain significance. Last evaluated: 2025-05-06. Review status: criteria provided, single submitter. Criteria: LabCorp Variant Classification Summary - May 2015. Collection method: clinical testing. Allele origin: germline.
Comment: Variant summary: IGF1R c.1403C>G (p.Thr468Ser) results in a conservative amino acid change in the encoded protein sequence. Algorithms developed to predict the effect of missense changes on protein structure and function are either unavailable or do not agree on the potential impact of this missense change. The variant was absent in 251162 control chromosomes (gnomAD). The available data on variant occurrences in the general population are insufficient to allow any conclusion about variant significance. To our knowledge, no occurrence of c.1403C>G in individuals affected with Growth Delay Due To Insulin-Like Growth Factor I Resistance and no experimental evidence demonstrating its impact on protein function have been reported. No submitters have cited clinical-significance assessments for this variant to ClinVar. Based on the evidence outlined above, the variant was classified as uncertain significance.

NM_000875.5(IGF1R):c.1403C>G (p.Thr468Ser)

Gene: IGF1R (insulin like growth factor 1 receptor; plus strand). Cytogenetic location: 15q26.3.
Variant type: single nucleotide variant.
Coding change: c.1403C>G on transcript NM_000875.5 (MANE Select); coding-DNA position 1403, C replaced by G.
Protein change: p.Thr468Ser; replaces threonine 468 with serine.
Molecular consequence: missense variant.
Genome position (GRCh38, 1-based): chr15:98,908,840, C>G. VCF-style: chr15-98908840-C-G. GRCh37 (hg19) VCF-style: chr15-99452069-C-G.
Other names: c.1403C>G, p.Thr468Ser (NM_001291858.2); short protein forms T468S.
Identifiers: ClinVar variation 3902478 (VCV003902478.1).
Genomic context (GRCh38, chr15:98,908,840, plus strand): 5'-TTGCTTTCAATCCCAAATTATGTGTTTCCGAAATTTACCGCATGGAGGAAGTGACGGGGA[C>G]TAAAGGGCGCCAAAGCAAAGGGGACATAAACACCAGGAACAACGGGGAGAGAGCCTCCTG-3'
Protein context (NP_000866.1, residues 458-478): EIYRMEEVTG[Thr468Ser]KGRQSKGDIN